The following is an entry in ClinVar:

NM_020458.4(TTC7A):c.2021C>T (p.Ser674Phe)

Gene: TTC7A (tetratricopeptide repeat domain 7A; plus strand). Cytogenetic location: 2p21.
Variant type: single nucleotide variant.
Coding change: c.2021C>T on transcript NM_020458.4 (MANE Select); coding-DNA position 2021, C replaced by T.
Protein change: p.Ser674Phe; replaces serine 674 with phenylalanine.
Molecular consequence: missense variant.
Genome position (GRCh38, 1-based): chr2:47,051,749, C>T. VCF-style: chr2-47051749-C-T. GRCh37 (hg19) VCF-style: chr2-47278888-C-T.
Other names: c.2093C>T, p.Ser698Phe (NM_001288951.2); c.1919C>T, p.Ser640Phe (NM_001288953.2); c.959C>T, p.Ser320Phe (NM_001288955.2); short protein forms S640F, S698F, S320F, S674F.
Identifiers: ClinVar variation 1503521 (VCV001503521.5), dbSNP rs1407425017, ClinGen allele CA346713624.

ClinVar aggregate classification (germline): Uncertain significance (1 of 4 stars; one submission).

Conditions:
Multiple gastrointestinal atresias. Also called: Multiple intestinal atresia; FAMILIAL INTESTINAL POLYATRESIA SYNDROME. Identifiers: Orphanet 2300, MedGen C0220744, MONDO:0009465.

Allele frequency attached by ClinVar (database versions not stated): gnomAD 0.00001; gnomAD exomes 0.00001.
gnomAD v4.1: 7 of 1,609,302 alleles (0.00043%); highest among the groups gnomAD compares: Middle Eastern, 0.022%; no homozygotes.

Submission:

Labcorp Genetics (formerly Invitae), Labcorp
Classification: Uncertain significance for Multiple gastrointestinal atresias. Last evaluated: 2021-09-24. Review status: criteria provided, single submitter. Criteria: Invitae Variant Classification Sherloc (09022015). Collection method: clinical testing. Allele origin: germline.
Comment: This sequence change replaces serine with phenylalanine at codon 674 of the TTC7A protein (p.Ser674Phe). The serine residue is moderately conserved and there is a large physicochemical difference between serine and phenylalanine. This variant is not present in population databases (ExAC no frequency). This variant has not been reported in the literature in individuals with TTC7A-related conditions. Algorithms developed to predict the effect of missense changes on protein structure and function are either unavailable or do not agree on the potential impact of this missense change (SIFT: "Deleterious"; PolyPhen-2: "Probably Damaging"; Align-GVGD: "Class C0"). In summary, the available evidence is currently insufficient to determine the role of this variant in disease. Therefore, it has been classified as a Variant of Uncertain Significance.